The following is an entry in ClinVar:

ClinVar aggregate classification (germline): Conflicting classifications of pathogenicity. Review status: criteria provided, conflicting classifications (1 of 4 stars). 9 submissions from 9 submitters: Uncertain significance (3); Likely benign (6). Last evaluated 2025-10-21.

Conditions:
CACNA1A-related disorder. Also called: CACNA1A-related condition.
Inborn genetic diseases. Identifiers: MedGen C0950123, MeSH D030342.
Episodic ataxia type 2 (EA2). Also called: ACETAZOLAMIDE-RESPONSIVE HEREDITARY PAROXYSMAL CEREBELLAR ATAXIA; ATAXIA, EPISODIC, WITH NYSTAGMUS; ATAXIA, FAMILIAL PAROXYSMAL; CEREBELLAR ATAXIA, PAROXYSMAL, ACETAZOLAMIDE-RESPONSIVE; CEREBELLOPATHY, HEREDITARY PAROXYSMAL; EPISODIC ATAXIA, NYSTAGMUS-ASSOCIATED. Identifiers: Orphanet 97, MedGen C1720416, MONDO:0007163, OMIM 108500.
Spinocerebellar ataxia type 6 (SCA6). Identifiers: Orphanet 98758, MedGen C0752124, MONDO:0008457, OMIM 183086.
Migraine, familial hemiplegic, 1. Also called: MIGRAINE, FAMILIAL HEMIPLEGIC 1, WITH PROGRESSIVE CEREBELLAR ATAXIA. Identifiers: Orphanet 569, MedGen C1832884, MONDO:0020756, OMIM 141500, MONDO:0007714.
Developmental and epileptic encephalopathy, 42 (DEE42A). Also called: Epileptic encephalopathy, early infantile, 42; EPILEPTIC ENCEPHALOPATHY, EARLY INFANTILE, 42A; DEVELOPMENTAL AND EPILEPTIC ENCEPHALOPATHY 42A. Identifiers: MedGen C4310716, MONDO:0014917, OMIM 617106.

Allele frequency attached by ClinVar (database versions not stated): 1000 Genomes Project 0.00040; 1000 Genomes Project 30x 0.00047.
gnomAD v4.1: 194 of 1,544,684 alleles (0.013%); highest among the groups gnomAD compares: Middle Eastern, 0.035%; no homozygotes.

Submissions (9):

Labcorp Genetics (formerly Invitae), Labcorp
Classification: Likely benign for Developmental and epileptic encephalopathy, 42; Episodic ataxia type 2. Last evaluated: 2025-10-21. Review status: criteria provided, single submitter. Criteria: Invitae Variant Classification Sherloc (09022015). Collection method: clinical testing. Allele origin: germline.

Blueprint Genetics
Classification: Likely benign. Last evaluated: 2024-11-27. Review status: criteria provided, single submitter. Criteria: ACMG Guidelines, 2015. Collection method: clinical testing. Allele origin: germline.

PreventionGenetics, part of Exact Sciences
Classification: Likely benign for CACNA1A-related condition. Last evaluated: 2024-10-30. Review status: criteria provided, single submitter. Criteria: ACMG Guidelines, 2015. Collection method: clinical testing. Allele origin: germline.
Comment: This variant is classified as likely benign based on ACMG/AMP sequence variant interpretation guidelines (Richards et al. 2015 PMID: 25741868, with internal and published modifications).

Athena Diagnostics
Classification: Likely benign. Last evaluated: 2024-01-24. Review status: criteria provided, single submitter. Criteria: Athena Diagnostics Criteria. Collection method: clinical testing. Allele origin: unknown.

Ambry Genetics
Classification: Likely benign for Inborn genetic diseases. Last evaluated: 2023-12-28. Review status: criteria provided, single submitter. Criteria: Ambry Variant Classification Scheme 2023. Collection method: clinical testing. Allele origin: germline.

CeGaT Center for Human Genetics Tuebingen
Classification: Uncertain significance. Last evaluated: 2022-05-01. Review status: criteria provided, single submitter. Criteria: CeGaT Center For Human Genetics Tuebingen Variant Classification Criteria Version 2. Collection method: clinical testing. Allele origin: germline. Affected: yes. Observed: 1 variant allele.
Comment: CACNA1A: PP2

GeneDx
Classification: Likely benign. Last evaluated: 2020-10-13. Review status: criteria provided, single submitter. Criteria: GeneDx Variant Classification Process June 2021. Collection method: clinical testing. Allele origin: germline. Affected: yes.
Comment: In silico analysis, which includes protein predictors and evolutionary conservation, supports a deleterious effect; Has not been previously published as pathogenic or benign to our knowledge

Revvity Omics, Revvity
Classification: Uncertain significance. Last evaluated: 2020-01-14. Review status: criteria provided, single submitter. Criteria: ACMG Guidelines, 2015. Collection method: clinical testing. Allele origin: germline.

Fulgent Genetics
Classification: Uncertain significance for Episodic ataxia type 2; Migraine, familial hemiplegic, 1; Spinocerebellar ataxia type 6; Developmental and epileptic encephalopathy, 42. Last evaluated: 2018-10-31. Review status: criteria provided, single submitter. Criteria: ACMG Guidelines, 2015. Collection method: clinical testing. Allele origin: unknown.

NM_001127222.2(CACNA1A):c.3410C>G (p.Pro1137Arg)

Gene: CACNA1A (calcium voltage-gated channel subunit alpha1 A; minus strand). Cytogenetic location: 19p13.13.
Variant type: single nucleotide variant.
Coding change: c.3410C>G on transcript NM_001127222.2 (MANE Select); coding-DNA position 3410, C replaced by G.
Protein change: p.Pro1137Arg; replaces proline 1137 with arginine.
Molecular consequence: missense variant.
Genome position (GRCh38, 1-based): chr19:13,286,646, G>C on the plus strand (C>G on the coding strand, the complement: CACNA1A is on the minus strand). VCF-style: chr19-13286646-G-C. GRCh37 (hg19) VCF-style: chr19-13397460-G-C.
Other names: c.3422C>G, p.Pro1141Arg (NM_000068.4, NM_023035.3); c.3413C>G, p.Pro1138Arg (NM_001127221.2, NM_001174080.2); c.3410C>G (NM_001127222.1); short protein forms P1138R, P1137R, P1141R.
Identifiers: ClinVar variation 430288 (VCV000430288.53), dbSNP rs200333359, ClinGen allele CA9240329.